The following is an entry in ClinVar:

ClinVar aggregate classification (germline): Uncertain significance (1 of 4 stars; one submission).

Allele frequency attached by ClinVar (database versions not stated): gnomAD exomes below 0.00001; ExAC 0.00002; TOPMed 0.00003; gnomAD 0.00004.
gnomAD v4.1: 12 of 1,613,978 alleles (0.00074%); highest among the groups gnomAD compares: African/African-American, 0.0067%; no homozygotes.

Submission:

Labcorp Genetics (formerly Invitae), Labcorp
Classification: Uncertain significance. Last evaluated: 2023-10-09. Review status: criteria provided, single submitter. Criteria: Invitae Variant Classification Sherloc (09022015). Collection method: clinical testing. Allele origin: germline.
Comment: This sequence change replaces arginine, which is basic and polar, with tryptophan, which is neutral and slightly polar, at codon 5374 of the HMCN1 protein (p.Arg5374Trp). This variant is present in population databases (rs774597838, gnomAD 0.01%). This variant has not been reported in the literature in individuals affected with HMCN1-related conditions. ClinVar contains an entry for this variant (Variation ID: 2166351). Algorithms developed to predict the effect of missense changes on protein structure and function output the following: SIFT: "Not Available"; PolyPhen-2: "Benign"; Align-GVGD: "Not Available". The tryptophan amino acid residue is found in multiple mammalian species, which suggests that this missense change does not adversely affect protein function. In summary, the available evidence is currently insufficient to determine the role of this variant in disease. Therefore, it has been classified as a Variant of Uncertain Significance.

NM_031935.3(HMCN1):c.16120C>T (p.Arg5374Trp)

Gene: HMCN1 (hemicentin 1; plus strand). Cytogenetic location: 1q31.1.
Variant type: single nucleotide variant.
Coding change: c.16120C>T on transcript NM_031935.3 (MANE Select); coding-DNA position 16120, C replaced by T.
Protein change: p.Arg5374Trp; replaces arginine 5374 with tryptophan.
Molecular consequence: missense variant.
Genome position (GRCh38, 1-based): chr1:186,178,592, C>T. VCF-style: chr1-186178592-C-T. GRCh37 (hg19) VCF-style: chr1-186147724-C-T.
Other names: short protein forms R5374W.
Identifiers: ClinVar variation 2166351 (VCV002166351.4), dbSNP rs774597838, ClinGen allele CA1295476.